The following is an entry in ClinVar:

NM_001101362.3(KBTBD13):c.358G>A (p.Asp120Asn)

Gene: KBTBD13 (kelch repeat and BTB domain containing 13; plus strand). Cytogenetic location: 15q22.31.
Variant type: single nucleotide variant.
Coding change: c.358G>A on transcript NM_001101362.3 (MANE Select); coding-DNA position 358, G replaced by A.
Protein change: p.Asp120Asn; replaces aspartic acid 120 with asparagine.
Molecular consequence: missense variant.
Genome position (GRCh38, 1-based): chr15:65,077,173, G>A. VCF-style: chr15-65077173-G-A. GRCh37 (hg19) VCF-style: chr15-65369511-G-A.
Other names: short protein forms D120N.
Identifiers: ClinVar variation 1014225 (VCV001014225.8), dbSNP rs1403660333, ClinGen allele CA392860101.

ClinVar aggregate classification (germline): Uncertain significance (1 of 4 stars; one submission).

Conditions:
Nemaline myopathy 6 (NEM6). Also called: Nemaline myopathy 6, autosomal dominant. Identifiers: Orphanet 171439, MedGen C1836472, MONDO:0012237, OMIM 609273.

Allele frequency attached by ClinVar (database versions not stated): gnomAD 0.00003; TOPMed 0.00003.
gnomAD v4.1: 11 of 1,506,762 alleles (0.00073%); highest among the groups gnomAD compares: African/African-American, 0.011%; no homozygotes.

Submission:

Labcorp Genetics (formerly Invitae), Labcorp
Classification: Uncertain significance for Nemaline myopathy 6. Last evaluated: 2022-06-13. Review status: criteria provided, single submitter. Criteria: Invitae Variant Classification Sherloc (09022015). Collection method: clinical testing. Allele origin: germline.
Comment: This sequence change replaces aspartic acid, which is acidic and polar, with asparagine, which is neutral and polar, at codon 120 of the KBTBD13 protein (p.Asp120Asn). In summary, the available evidence is currently insufficient to determine the role of this variant in disease. Therefore, it has been classified as a Variant of Uncertain Significance. Algorithms developed to predict the effect of missense changes on protein structure and function (SIFT, PolyPhen-2, Align-GVGD) all suggest that this variant is likely to be tolerated. ClinVar contains an entry for this variant (Variation ID: 1014225). This variant has not been reported in the literature in individuals affected with KBTBD13-related conditions. This variant is present in population databases (no rsID available, gnomAD 0.009%).